The following is an entry in ClinVar:

ClinVar aggregate classification (germline): Uncertain significance (1 of 4 stars; one submission).

Conditions:
CHD7-related disorder. Also called: CHD7-related condition.

Submission:

PreventionGenetics, part of Exact Sciences
Classification: Uncertain significance for CHD7-related condition. Last evaluated: 2025-03-10. Review status: criteria provided, single submitter. Criteria: ACMG Guidelines, 2015. Collection method: clinical testing. Allele origin: germline.
Comment: The CHD7 c.5944G>C variant is predicted to result in the amino acid substitution p.Gly1982Arg. To our knowledge, this variant has not been reported in the literature or in a large population database (gnomAD), indicating this variant is rare. Alternate variants impacting this amino acid position (p.Gly1982Trp, p.Gly1982Glu) have been reported in individuals with CHARGE syndrome, congenital hypogonadotropic hypogonadism (CHH) and Kallman syndrome (see for example: Bilan et al. 2012. PubMed ID: 22033296; Brajadenta et al. 2019. PubMed ID: 31289371; Supplemental Table 1, Costa-Barbosa et al. 2013. PubMed ID: 23533228). At this time, the clinical significance of this variant is uncertain due to the absence of conclusive functional and genetic evidence.

NM_017780.4(CHD7):c.5944G>C (p.Gly1982Arg)

Gene: CHD7 (chromodomain helicase DNA binding protein 7; plus strand). Cytogenetic location: 8q12.2.
Variant type: single nucleotide variant.
Coding change: c.5944G>C on transcript NM_017780.4 (MANE Select); coding-DNA position 5944, G replaced by C.
Protein change: p.Gly1982Arg; replaces glycine 1982 with arginine.
Molecular consequence: missense variant. On other transcripts: intron variant (1).
Genome position (GRCh38, 1-based): chr8:60,852,547, G>C. VCF-style: chr8-60852547-G-C. GRCh37 (hg19) VCF-style: chr8-61765106-G-C.
Other names: c.1717-9682G>C (NM_001316690.1); short protein forms G1982R.
Identifiers: ClinVar variation 4999405 (VCV004999405.1).